The following is an entry in ClinVar:

NM_000179.3(MSH6):c.3018C>G (p.Tyr1006Ter)

Gene: MSH6 (mutS homolog 6; plus strand). Cytogenetic location: 2p16.3.
Variant type: single nucleotide variant.
Coding change: c.3018C>G on transcript NM_000179.3 (MANE Select); coding-DNA position 3018, C replaced by G.
Protein change: p.Tyr1006Ter; replaces tyrosine 1006 with a stop codon.
Molecular consequence: nonsense.
Genome position (GRCh38, 1-based): chr2:47,801,001, C>G. VCF-style: chr2-47801001-C-G. GRCh37 (hg19) VCF-style: chr2-48028140-C-G.
Other names: c.2628C>G, p.Tyr876Ter (NM_001281492.2); c.2112C>G, p.Tyr704Ter (NM_001281493.2, NM_001281494.2); short protein forms Y1006*, Y704*, Y876*.
Identifiers: ClinVar variation 573031 (VCV000573031.12), dbSNP rs1553414395, ClinGen allele CA346756434.

ClinVar aggregate classification (germline): Pathogenic. Review status: criteria provided, multiple submitters, no conflicts (2 of 4 stars). 3 submissions from 3 submitters: Pathogenic (3). Last evaluated 2023-08-22.

Conditions:
Hereditary nonpolyposis colorectal neoplasms. Identifiers: MedGen C0009405, MeSH D003123.
Lynch syndrome 5 (LYNCH5). Also called: Colorectal cancer, hereditary nonpolyposis, type 5; Hereditary non-polyposis colorectal cancer, type 5. Identifiers: Orphanet 144, MedGen C1833477, MONDO:0013710, OMIM 614350. Disease mechanism: loss of function.
Hereditary cancer-predisposing syndrome. Also called: Neoplastic Syndromes, Hereditary; Hereditary Cancer Syndrome; Tumor predisposition; Hereditary neoplastic syndrome. Identifiers: Orphanet 140162, MedGen C0027672, MeSH D009386, MONDO:0015356.

Submissions (3):

Myriad Genetics, Inc.
Classification: Pathogenic for Lynch syndrome 5. Last evaluated: 2023-08-22. Review status: criteria provided, single submitter. Criteria: Myriad Autosomal Dominant, Autosomal Recessive and X-Linked Classification Criteria (2023). Collection method: clinical testing. Allele origin: unknown.
Comment: This variant is considered pathogenic. This variant creates a termination codon and is predicted to result in premature protein truncation.

Labcorp Genetics (formerly Invitae), Labcorp
Classification: Pathogenic for Hereditary nonpolyposis colorectal neoplasms. Last evaluated: 2022-09-27. Review status: criteria provided, single submitter. Criteria: Invitae Variant Classification Sherloc (09022015). Collection method: clinical testing. Allele origin: germline.
Comment: For these reasons, this variant has been classified as Pathogenic. This sequence change creates a premature translational stop signal (p.Tyr1006*) in the MSH6 gene. It is expected to result in an absent or disrupted protein product. Loss-of-function variants in MSH6 are known to be pathogenic (PMID: 18269114, 24362816). This variant is not present in population databases (gnomAD no frequency). This variant has not been reported in the literature in individuals affected with MSH6-related conditions. ClinVar contains an entry for this variant (Variation ID: 573031).

Ambry Genetics
Classification: Pathogenic for Hereditary cancer-predisposing syndrome. Last evaluated: 2021-06-24. Review status: criteria provided, single submitter. Criteria: Ambry Variant Classification Scheme 2023. Collection method: clinical testing. Allele origin: germline.
Comment: The p.Y1006* pathogenic mutation (also known as c.3018C>G), located in coding exon 4 of the MSH6 gene, results from a C to G substitution at nucleotide position 3018. This changes the amino acid from a tyrosine to a stop codon within coding exon 4. This alteration is expected to result in loss of function by premature protein truncation or nonsense-mediated mRNA decay. As such, this alteration is interpreted as a disease-causing mutation.

Literature cited by the submitters: PubMed 18269114 (cited by Labcorp Genetics (formerly Invitae), Labcorp); PubMed 24362816 (cited by Labcorp Genetics (formerly Invitae), Labcorp).